The following is an entry in ClinVar:

ClinVar aggregate classification (germline): Uncertain significance (0 of 4 stars; one submission).

Conditions:
PCNT-related disorder. Also called: PCNT-related condition.

gnomAD v4.1: 2 of 1,613,362 alleles (0.00012%); highest among the groups gnomAD compares: South Asian, 0.0011%; no homozygotes.

Submission:

PreventionGenetics, part of Exact Sciences
Classification: Uncertain significance for PCNT-related condition. Last evaluated: 2024-07-01. Review status: no assertion criteria provided. Collection method: clinical testing. Allele origin: germline.
Comment: The PCNT c.8704G>T variant is predicted to result in the amino acid substitution p.Ala2902Ser. To our knowledge, this variant has not been reported in the literature. This variant is reported in 0.0033% of alleles in individuals of South Asian descent in gnomAD. At this time, the clinical significance of this variant is uncertain due to the absence of conclusive functional and genetic evidence.

NM_006031.6(PCNT):c.8704G>T (p.Ala2902Ser)

Gene: PCNT (pericentrin; plus strand). Cytogenetic location: 21q22.3.
Variant type: single nucleotide variant.
Coding change: c.8704G>T on transcript NM_006031.6 (MANE Select); coding-DNA position 8704, G replaced by T.
Protein change: p.Ala2902Ser; replaces alanine 2902 with serine.
Molecular consequence: missense variant. On other transcripts: intron variant (1).
Genome position (GRCh38, 1-based): chr21:46,432,168, G>T. VCF-style: chr21-46432168-G-T. GRCh37 (hg19) VCF-style: chr21-47852082-G-T.
Other names: c.8160+190G>T (NM_001315529.2); short protein forms A2902S.
Identifiers: ClinVar variation 3354529 (VCV003354529.1).